The following is an entry in ClinVar:

NM_201550.4(LRRC10):c.670T>C (p.Cys224Arg)

Gene: LRRC10 (leucine rich repeat containing 10; minus strand). Cytogenetic location: 12q15.
Variant type: single nucleotide variant.
Coding change: c.670T>C on transcript NM_201550.4 (MANE Select); coding-DNA position 670, T replaced by C.
Protein change: p.Cys224Arg; replaces cysteine 224 with arginine.
Molecular consequence: missense variant.
Genome position (GRCh38, 1-based): chr12:69,610,169, A>G on the plus strand (T>C on the coding strand, the complement: LRRC10 is on the minus strand). VCF-style: chr12-69610169-A-G. GRCh37 (hg19) VCF-style: chr12-70003949-A-G.
Other names: short protein forms C224R.
Identifiers: ClinVar variation 1978909 (VCV001978909.4), dbSNP rs1456649712, ClinGen allele CA385735664.

ClinVar aggregate classification (germline): Uncertain significance (1 of 4 stars; one submission).

Allele frequency attached by ClinVar (database versions not stated): gnomAD exomes below 0.00001; TOPMed below 0.00001.

Submission:

Labcorp Genetics (formerly Invitae), Labcorp
Classification: Uncertain significance. Last evaluated: 2023-01-22. Review status: criteria provided, single submitter. Criteria: Invitae Variant Classification Sherloc (09022015). Collection method: clinical testing. Allele origin: germline.
Comment: This sequence change replaces cysteine, which is neutral and slightly polar, with arginine, which is basic and polar, at codon 224 of the LRRC10 protein (p.Cys224Arg). This variant is present in population databases (no rsID available, gnomAD 0.003%). This variant has not been reported in the literature in individuals affected with LRRC10-related conditions. Algorithms developed to predict the effect of missense changes on protein structure and function are either unavailable or do not agree on the potential impact of this missense change (SIFT: "Deleterious"; PolyPhen-2: "Possibly Damaging"; Align-GVGD: "Class C0"). In summary, the available evidence is currently insufficient to determine the role of this variant in disease. Therefore, it has been classified as a Variant of Uncertain Significance.